The following is an entry in ClinVar:

NM_000377.3(WAS):c.28C>T (p.Pro10Ser)

Gene: WAS (WASP actin nucleation promoting factor; plus strand). Cytogenetic location: Xp11.23.
Variant type: single nucleotide variant.
Coding change: c.28C>T on transcript NM_000377.3 (MANE Select); coding-DNA position 28, C replaced by T.
Protein change: p.Pro10Ser; replaces proline 10 with serine.
Molecular consequence: missense variant.
Genome position (GRCh38, 1-based): chrX:48,683,881, C>T. VCF-style: chrX-48683881-C-T. GRCh37 (hg19) VCF-style: chrX-48542270-C-T.
Other names: short protein forms P10S.
Identifiers: ClinVar variation 2930603 (VCV002930603.3), dbSNP rs2519277370, ClinGen allele CA412865227.
Genomic context (GRCh38, chrX:48,683,881, plus strand): 5'-GCCTCGCCAGAGAAGACAAGGGCAGAAAGCACCATGAGTGGGGGCCCAATGGGAGGAAGG[C>T]CCGGGGGCCGAGGAGCACCAGCGGTTCAGCAGAACATACCCTCCACCCTCCTCCAGGACC-3'
Protein context (NP_000368.1, residues 1-20): MSGGPMGGR[Pro10Ser]GGRGAPAVQQ

ClinVar aggregate classification (germline): Uncertain significance (1 of 4 stars; one submission).

Conditions:
Wiskott-Aldrich syndrome (WAS). Also called: ALDRICH SYNDROME; IMMUNODEFICIENCY 2; WISKOTT-ALDRICH SYNDROME 1; Wiskott-aldrich syndrome, somatic. Identifiers: Orphanet 906, MedGen C0043194, MONDO:0010518, OMIM 301000.
X-linked severe congenital neutropenia (SCNX). Identifiers: Orphanet 86788, MedGen C1845987, MONDO:0010294, OMIM 300299.
Thrombocytopenia 1. Also called: X-linked thrombocytopenia with normal platelets; X-Linked Thrombocytopenia (XLT); THROMBOCYTOPENIA, X-LINKED, 1. Identifiers: Orphanet 268322, Orphanet 852, MedGen C1839163, MONDO:0010743, OMIM 313900.

Allele frequency attached by ClinVar (database versions not stated): gnomAD exomes below 0.00001.
gnomAD v4.1: 2 of 1,211,769 alleles (0.00017%); highest among the groups gnomAD compares: Non-Finnish European, 0.00022%; no homozygotes.

Submission:

Labcorp Genetics (formerly Invitae), Labcorp
Classification: Uncertain significance for Wiskott-Aldrich syndrome; X-linked severe congenital neutropenia; Thrombocytopenia 1. Last evaluated: 2023-10-09. Review status: criteria provided, single submitter. Criteria: Invitae Variant Classification Sherloc (09022015). Collection method: clinical testing. Allele origin: germline.
Comment: This sequence change replaces proline, which is neutral and non-polar, with serine, which is neutral and polar, at codon 10 of the WAS protein (p.Pro10Ser). This variant is not present in population databases (gnomAD no frequency). This missense change has been observed in individual(s) with Wiskott-Aldrich syndrome (PMID: 26277674). Advanced modeling of protein sequence and biophysical properties (such as structural, functional, and spatial information, amino acid conservation, physicochemical variation, residue mobility, and thermodynamic stability) performed at Invitae indicates that this missense variant is not expected to disrupt WAS protein function. In summary, the available evidence is currently insufficient to determine the role of this variant in disease. Therefore, it has been classified as a Variant of Uncertain Significance.

Literature cited by the submitters: PubMed 26277674.